The following is an entry in ClinVar:

ClinVar aggregate classification (germline): Benign/Likely benign. Review status: criteria provided, multiple submitters, no conflicts (2 of 4 stars). 3 submissions from 3 submitters: Benign (2); Likely benign (1). Last evaluated 2026-08-01.

Allele frequency attached by ClinVar (database versions not stated): 1000 Genomes Project 0.00180; 1000 Genomes Project 30x 0.00234; TOPMed 0.00337; ESP Exome Variant Server 0.00384.
gnomAD v4.1: 7,128 of 1,614,226 alleles (0.44%); highest among the groups gnomAD compares: Non-Finnish European, 0.55%; 21 homozygotes.

Submissions (6):

CeGaT Center for Human Genetics Tuebingen
Classification: Benign. Last evaluated: 2026-08-01. Review status: criteria provided, single submitter. Criteria: CeGaT Center For Human Genetics Tuebingen Variant Classification Criteria Version 2. Collection method: clinical testing. Allele origin: germline. Affected: yes. Observed: 13 variant alleles.
Comment: BPTF: BP4, BS1, BS2

Labcorp Genetics (formerly Invitae), Labcorp
Classification: Benign. Last evaluated: 2025-12-03. Review status: criteria provided, single submitter. Criteria: Invitae Variant Classification Sherloc (09022015). Collection method: clinical testing. Allele origin: germline.

Blueprint Genetics
Classification: Likely benign. Last evaluated: 2024-11-23. Review status: criteria provided, single submitter. Criteria: ACMG Guidelines, 2015. Collection method: clinical testing. Allele origin: germline.

Dr. Peter K. Rogan Lab, Western University
No classification provided (evidence only). Condition: Sarcoma. Review status: no classification provided. Collection method: in vitro. Allele origin: not applicable. Functional consequence: retained intron. Not counted in ClinVar's aggregate classification.

Dr. Peter K. Rogan Lab, Western University
No classification provided (evidence only). Condition: Ovarian serous cystadenocarcinoma. Review status: no classification provided. Collection method: in vitro. Allele origin: not applicable. Functional consequence: retained intron. Not counted in ClinVar's aggregate classification.

Dr. Peter K. Rogan Lab, Western University
No classification provided (evidence only). Condition: Malignant tumor of esophagus. Review status: no classification provided. Collection method: in vitro. Allele origin: not applicable. Functional consequence: skipped exon, retained intron. Not counted in ClinVar's aggregate classification.

NM_182641.4(BPTF):c.3914A>G (p.Asp1305Gly)

Gene: BPTF (bromodomain PHD finger transcription factor; plus strand). Cytogenetic location: 17q24.2.
Variant type: single nucleotide variant.
Coding change: c.3914A>G on transcript NM_182641.4 (MANE Select); coding-DNA position 3914, A replaced by G.
Protein change: p.Asp1305Gly; replaces aspartic acid 1305 with glycine.
Molecular consequence: missense variant.
Genome position (GRCh38, 1-based): chr17:67,911,798, A>G. VCF-style: chr17-67911798-A-G. GRCh37 (hg19) VCF-style: chr17-65907914-A-G.
Other names: c.4292A>G, p.Asp1431Gly (NM_004459.7); short protein forms D1305G, D1431G.
Identifiers: ClinVar variation 715593 (VCV000715593.34), dbSNP rs79076582, ClinGen allele CA8725725.